The following is an entry in ClinVar:

NM_022124.6(CDH23):c.4495G>T (p.Ala1499Ser)

Gene: CDH23 (cadherin related 23; plus strand). Cytogenetic location: 10q22.1.
Variant type: single nucleotide variant.
Coding change: c.4495G>T on transcript NM_022124.6 (MANE Select); coding-DNA position 4495, G replaced by T.
Protein change: p.Ala1499Ser; replaces alanine 1499 with serine.
Molecular consequence: missense variant.
Genome position (GRCh38, 1-based): chr10:71,740,828, G>T. VCF-style: chr10-71740828-G-T. GRCh37 (hg19) VCF-style: chr10-73500585-G-T.
Other names: short protein forms A1499S.
Identifiers: ClinVar variation 3389118 (VCV003389118.15).
Genomic context (GRCh38, chr10:71,740,828, plus strand): 5'-CCAATCCTGCCCGCCACGCTTTAGCCCTGACTCCAGTTGCCCTCCTCCTTGCAGGTTGTG[G>T]CTTCTGACCGAGGCACCCCTCCACGGAAGAAGGACCACATCCTGCAGGTGACCATCCTGG-3'
Protein context (NP_071407.4, residues 1489-1509): ELDHYILQVV[Ala1499Ser]SDRGTPPRKK

ClinVar aggregate classification (germline): Conflicting classifications of pathogenicity. Review status: criteria provided, conflicting classifications (1 of 4 stars). 2 submissions from 2 submitters: Uncertain significance (1); Likely benign (1). Last evaluated 2025-06-17.

gnomAD v4.1: 87 of 1,613,632 alleles (0.0054%); highest among the groups gnomAD compares: South Asian, 0.093%; 2 homozygotes.

Submissions (2):

Revvity Omics, Revvity
Classification: Uncertain significance. Last evaluated: 2025-06-17. Review status: criteria provided, single submitter. Criteria: ACMG Guidelines, 2015. Collection method: clinical testing. Allele origin: germline.

CeGaT Center for Human Genetics Tuebingen
Classification: Likely benign. Last evaluated: 2024-12-01. Review status: criteria provided, single submitter. Criteria: CeGaT Center For Human Genetics Tuebingen Variant Classification Criteria Version 2. Collection method: clinical testing. Allele origin: germline. Affected: yes. Observed: 1 variant allele.
Comment: CDH23: BS2